The following is an entry in ClinVar:

ClinVar aggregate classification (germline): Pathogenic (1 of 4 stars; one submission).

Submission:

GeneDx
Classification: Pathogenic. Last evaluated: 2026-04-22. Review status: criteria provided, single submitter. Criteria: GeneDx Variant Classification Process June 2021. Collection method: clinical testing. Allele origin: germline.
Comment: Not observed at significant frequency in large population cohorts (gnomAD); In silico analysis supports that this missense variant has a deleterious effect on protein structure/function; This variant is associated with the following publications: (PMID: 34869110, 28132692, 35982159, 24896178)

NM_052876.4(NACC1):c.1402C>T (p.Arg468Cys)

Gene: NACC1 (nucleus accumbens associated 1; plus strand). Cytogenetic location: 19p13.13.
Variant type: single nucleotide variant.
Coding change: c.1402C>T on transcript NM_052876.4 (MANE Select); coding-DNA position 1402, C replaced by T.
Protein change: p.Arg468Cys; replaces arginine 468 with cysteine.
Molecular consequence: missense variant.
Genome position (GRCh38, 1-based): chr19:13,138,224, C>T. VCF-style: chr19-13138224-C-T. GRCh37 (hg19) VCF-style: chr19-13249038-C-T.
Other names: short protein forms R468C.
Identifiers: ClinVar variation 3375729 (VCV003375729.2).